The following is an entry in ClinVar:

ClinVar aggregate classification (germline): Uncertain significance (1 of 4 stars; one submission).

Conditions:
Infantile spasms. Also called: Infantile spasm. Identifiers: MedGen C3887898, HP:0012469.

Submission:

Labcorp Genetics (formerly Invitae), Labcorp
Classification: Uncertain significance for Infantile spasms. Last evaluated: 2022-11-23. Review status: criteria provided, single submitter. Criteria: Invitae Variant Classification Sherloc (09022015). Collection method: clinical testing. Allele origin: germline.
Comment: This sequence change replaces tryptophan, which is neutral and slightly polar, with cysteine, which is neutral and slightly polar, at codon 121 of the PIK3AP1 protein (p.Trp121Cys). In summary, the available evidence is currently insufficient to determine the role of this variant in disease. Therefore, it has been classified as a Variant of Uncertain Significance. Algorithms developed to predict the effect of missense changes on protein structure and function are either unavailable or do not agree on the potential impact of this missense change (SIFT: "Deleterious"; PolyPhen-2: "Possibly Damaging"; Align-GVGD: "Class C0"). This variant has not been reported in the literature in individuals affected with PIK3AP1-related conditions. This variant is not present in population databases (gnomAD no frequency).

NM_152309.3(PIK3AP1):c.363G>T (p.Trp121Cys)

Gene: PIK3AP1 (phosphoinositide-3-kinase adaptor protein 1; minus strand). Cytogenetic location: 10q24.1.
Variant type: single nucleotide variant.
Coding change: c.363G>T on transcript NM_152309.3 (MANE Select); coding-DNA position 363, G replaced by T.
Protein change: p.Trp121Cys; replaces tryptophan 121 with cysteine.
Molecular consequence: missense variant.
Genome position (GRCh38, 1-based): chr10:96,709,634, C>A on the plus strand (G>T on the coding strand, the complement: PIK3AP1 is on the minus strand). VCF-style: chr10-96709634-C-A. GRCh37 (hg19) VCF-style: chr10-98469391-C-A.
Other names: short protein forms W121C.
Identifiers: ClinVar variation 2816152 (VCV002816152.3), dbSNP rs2493792843, ClinGen allele CA377759183.